The following is an entry in ClinVar:

ClinVar aggregate classification (germline): Likely pathogenic (1 of 4 stars; one submission).

Conditions:
Muscular dystrophy-dystroglycanopathy (congenital with brain and eye anomalies), type A3. Also called: Muscular dystrophy-dystroglycanopathy (congenital with brain and eye anomalies), type A, 3; Congenital muscular dystrophy-dystroglycanopathy with brain and eye anomalies, type A3; WALKER-WARBURG SYNDROME OR MUSCLE-EYE-BRAIN DISEASE, POMGNT1-RELATED. Identifiers: MedGen C3151519, MONDO:0009667, OMIM 253280.

Submission:

Myriad Genetics, Inc.
Classification: Likely pathogenic for Muscular dystrophy-dystroglycanopathy (congenital with brain and eye anomalies), type A3. Last evaluated: 2022-03-08. Review status: criteria provided, single submitter. Criteria: Myriad Women's Health Autosomal Recessive and X-Linked Classification Criteria (2021). Collection method: clinical testing. Allele origin: unknown.
Comment: NM_017739.3(POMGNT1):c.1117A>T(K373*) is expected to be pathogenic in the context of POMGNT-related disorders. This variant is predicted to lead to an abnormal or absent protein product due to the creation of a premature termination codon in POMGNT1, a gene where loss-of-function variants are known to be pathogenic. Please note: this variant was assessed in the context of healthy population screening.

NM_017739.4(POMGNT1):c.1117A>T (p.Lys373Ter)

Genes: TSPAN1 (tetraspanin 1; plus strand), POMGNT1 (protein O-linked mannose N-acetylglucosaminyltransferase 1 (beta 1,2-); minus strand). Cytogenetic location: 1p34.1.
Variant type: single nucleotide variant.
Coding change: c.1117A>T on transcript NM_017739.4 (MANE Select); coding-DNA position 1117, A replaced by T.
Protein change: p.Lys373Ter; replaces lysine 373 with a stop codon.
Molecular consequence: nonsense.
Genome position (GRCh38, 1-based): chr1:46,193,209, T>A on the plus strand (A>T on the coding strand, the complement: POMGNT1 is on the minus strand). VCF-style: chr1-46193209-T-A. GRCh37 (hg19) VCF-style: chr1-46658881-T-A.
Other names: c.1117A>T, p.Lys373Ter (NM_001243766.2, NM_001410783.1); c.1051A>T, p.Lys351Ter (NM_001290129.3); c.688A>T, p.Lys230Ter (NM_001290130.2); short protein forms K230*, K351*, K373*.
Identifiers: ClinVar variation 1725088 (VCV001725088.2), dbSNP rs752591703, ClinGen allele CA340179559.